The following is an entry in ClinVar:

NM_024740.2(ALG9):c.207G>A (p.Arg69=)

Gene: ALG9 (ALG9 alpha-1,2-mannosyltransferase; minus strand). Cytogenetic location: 11q23.1.
Variant type: single nucleotide variant.
Coding change: c.207G>A on transcript NM_024740.2 (MANE Select); coding-DNA position 207, G replaced by A.
Protein change: p.Arg69=; no amino-acid change (arginine 69 retained).
Molecular consequence: synonymous variant. On other transcripts: 5 prime UTR variant (14), non-coding transcript variant (1), intron variant (1).
Genome position (GRCh38, 1-based): chr11:111,870,295, C>T on the plus strand (G>A on the coding strand, the complement: ALG9 is on the minus strand). VCF-style: chr11-111870295-C-T. GRCh37 (hg19) VCF-style: chr11-111741018-C-T.
Other names: c.207G>A, p.Arg69= (NM_001077690.1, NM_001352417.1, NM_001352418.1); c.-307G>A (NM_001077691.2, NM_001077692.2, NM_001352412.2 and 5 more transcripts); c.-311G>A (NM_001352410.1, NM_001352411.2, NM_001352413.1 and 2 more transcripts); c.-525G>A (NM_001352422.2); c.-244+1057G>A (NM_001352409.1).
Identifiers: ClinVar variation 3355995 (VCV003355995.1).

ClinVar aggregate classification (germline): Likely benign (0 of 4 stars; one submission).

Conditions:
ALG9-related disorder. Also called: ALG9-related condition.

Submission:

PreventionGenetics, part of Exact Sciences
Classification: Likely benign for ALG9-related condition. Last evaluated: 2024-08-17. Review status: no assertion criteria provided. Collection method: clinical testing. Allele origin: germline.
Comment: This variant is classified as likely benign based on ACMG/AMP sequence variant interpretation guidelines (Richards et al. 2015 PMID: 25741868, with internal and published modifications).